The following is an entry in ClinVar:

ClinVar aggregate classification (germline): Uncertain significance (1 of 4 stars; one submission).

Allele frequency attached by ClinVar (database versions not stated): TOPMed below 0.00001; gnomAD exomes 0.00001.
gnomAD v4.1: 22 of 1,614,244 alleles (0.0014%); highest among the groups gnomAD compares: Non-Finnish European, 0.0018%; no homozygotes.

Submission:

Labcorp Genetics (formerly Invitae), Labcorp
Classification: Uncertain significance. Last evaluated: 2021-10-15. Review status: criteria provided, single submitter. Criteria: Invitae Variant Classification Sherloc (09022015). Collection method: clinical testing. Allele origin: germline.
Comment: This variant has not been reported in the literature in individuals affected with HIVEP2-related conditions. This variant is not present in population databases (ExAC no frequency). This sequence change replaces asparagine with lysine at codon 1203 of the HIVEP2 protein (p.Asn1203Lys). The asparagine residue is moderately conserved and there is a moderate physicochemical difference between asparagine and lysine. In summary, the available evidence is currently insufficient to determine the role of this variant in disease. Therefore, it has been classified as a Variant of Uncertain Significance. Algorithms developed to predict the effect of sequence changes on RNA splicing suggest that this variant may create or strengthen a splice site. Algorithms developed to predict the effect of missense changes on protein structure and function (SIFT, PolyPhen-2, Align-GVGD) all suggest that this variant is likely to be tolerated.

NM_006734.4(HIVEP2):c.3609T>G (p.Asn1203Lys)

Gene: HIVEP2 (HIVEP zinc finger 2; minus strand). Cytogenetic location: 6q24.2.
Variant type: single nucleotide variant.
Coding change: c.3609T>G on transcript NM_006734.4 (MANE Select); coding-DNA position 3609, T replaced by G.
Protein change: p.Asn1203Lys; replaces asparagine 1203 with lysine.
Molecular consequence: missense variant.
Genome position (GRCh38, 1-based): chr6:142,771,130, A>C on the plus strand (T>G on the coding strand, the complement: HIVEP2 is on the minus strand). VCF-style: chr6-142771130-A-C. GRCh37 (hg19) VCF-style: chr6-143092267-A-C.
Other names: short protein forms N1203K.
Identifiers: ClinVar variation 1525956 (VCV001525956.6), dbSNP rs1017933482, ClinGen allele CA149015718.